The following is an entry in ClinVar:

NM_004281.4(BAG3):c.1568C>T (p.Ala523Val)

Gene: BAG3 (BAG cochaperone 3; plus strand). Cytogenetic location: 10q26.11.
Variant type: single nucleotide variant.
Coding change: c.1568C>T on transcript NM_004281.4 (MANE Select); coding-DNA position 1568, C replaced by T.
Protein change: p.Ala523Val; replaces alanine 523 with valine.
Molecular consequence: missense variant.
Genome position (GRCh38, 1-based): chr10:119,677,122, C>T. VCF-style: chr10-119677122-C-T. GRCh37 (hg19) VCF-style: chr10-121436634-C-T.
Other names: short protein forms A523V.
Identifiers: ClinVar variation 3750926 (VCV003750926.2).
Genomic context (GRCh38, chr10:119,677,122, plus strand): 5'-GTCAAGTCCAGGTCTATGAACTCCAGCCCAGCAACCTTGAAGCAGATCAGCCACTGCAGG[C>T]AATCATGGAGATGGGTGCCGTGGCAGCAGACAAGGGCAAGAAAAATGCTGGAAATGCAGA-3'
Protein context (NP_004272.2, residues 513-533): SNLEADQPLQ[Ala523Val]IMEMGAVAAD

ClinVar aggregate classification (germline): Uncertain significance (1 of 4 stars; one submission).

Conditions:
Myofibrillar myopathy 6. Identifiers: Orphanet 199340, MedGen C2751831, MONDO:0013061, OMIM 612954.
Dilated cardiomyopathy 1HH (CMD1HH). Identifiers: Orphanet 154, MedGen C3151293, MONDO:0013479, OMIM 613881.

gnomAD v4.1: 1 of 1,614,152 alleles (0.000062%); highest among the groups gnomAD compares: Non-Finnish European, 0.000085%; no homozygotes.

Submission:

Labcorp Genetics (formerly Invitae), Labcorp
Classification: Uncertain significance for Dilated cardiomyopathy 1HH; Myofibrillar myopathy 6. Last evaluated: 2024-02-21. Review status: criteria provided, single submitter. Criteria: Invitae Variant Classification Sherloc (09022015). Collection method: clinical testing. Allele origin: germline.
Comment: This sequence change replaces alanine, which is neutral and non-polar, with valine, which is neutral and non-polar, at codon 523 of the BAG3 protein (p.Ala523Val). This variant is not present in population databases (gnomAD no frequency). This variant has not been reported in the literature in individuals affected with BAG3-related conditions. Advanced modeling of protein sequence and biophysical properties (such as structural, functional, and spatial information, amino acid conservation, physicochemical variation, residue mobility, and thermodynamic stability) performed at Invitae indicates that this missense variant is not expected to disrupt BAG3 protein function with a negative predictive value of 80%. Algorithms developed to predict the effect of sequence changes on RNA splicing suggest that this variant may create or strengthen a splice site. In summary, the available evidence is currently insufficient to determine the role of this variant in disease. Therefore, it has been classified as a Variant of Uncertain Significance.